The following is an entry in ClinVar:

NM_001868.4(CPA1):c.539C>T (p.Ser180Phe)

Gene: CPA1 (carboxypeptidase A1; plus strand). Cytogenetic location: 7q32.2.
Variant type: single nucleotide variant.
Coding change: c.539C>T on transcript NM_001868.4 (MANE Select); coding-DNA position 539, C replaced by T.
Protein change: p.Ser180Phe; replaces serine 180 with phenylalanine.
Molecular consequence: missense variant.
Genome position (GRCh38, 1-based): chr7:130,383,446, C>T. VCF-style: chr7-130383446-C-T. GRCh37 (hg19) VCF-style: chr7-130023287-C-T.
Other names: short protein forms S180F.
Identifiers: ClinVar variation 2561601 (VCV002561601.2), dbSNP rs2536008158, ClinGen allele CA369282353.

ClinVar aggregate classification (germline): Uncertain significance (1 of 4 stars; one submission).

Conditions:
Hereditary pancreatitis (PCTT). Also called: Hereditary chronic pancreatitis; PRSS1-Related Hereditary Pancreatitis. Identifiers: Orphanet 676, MedGen C0238339, MONDO:0008185, OMIM 167800.

Submission:

Ambry Genetics
Classification: Uncertain significance for Hereditary pancreatitis. Last evaluated: 2023-03-30. Review status: criteria provided, single submitter. Criteria: Ambry Variant Classification Scheme 2023. Collection method: clinical testing. Allele origin: germline.
Comment: The p.S180F variant (also known as c.539C>T), located in coding exon 5 of the CPA1 gene, results from a C to T substitution at nucleotide position 539. The serine at codon 180 is replaced by phenylalanine, an amino acid with highly dissimilar properties. This amino acid position is conserved. In addition, the in silico prediction for this alteration is inconclusive. Since supporting evidence is limited at this time, the clinical significance of this alteration remains unclear.